The following is an entry in ClinVar:

NM_001735.3(C5):c.3707A>C (p.Asp1236Ala)

Gene: C5 (complement C5; minus strand). Cytogenetic location: 9q33.2.
Variant type: single nucleotide variant.
Coding change: c.3707A>C on transcript NM_001735.3 (MANE Select); coding-DNA position 3707, A replaced by C.
Protein change: p.Asp1236Ala; replaces aspartic acid 1236 with alanine.
Molecular consequence: missense variant.
Genome position (GRCh38, 1-based): chr9:120,976,857, T>G on the plus strand (A>C on the coding strand, the complement: C5 is on the minus strand). VCF-style: chr9-120976857-T-G. GRCh37 (hg19) VCF-style: chr9-123739135-T-G.
Other names: c.3725A>C, p.Asp1242Ala (NM_001317163.2); short protein forms D1236A, D1242A.
Identifiers: ClinVar variation 1401559 (VCV001401559.6), dbSNP rs148342393, ClinGen allele CA5217402.

ClinVar aggregate classification (germline): Uncertain significance (1 of 4 stars; one submission).

Allele frequency attached by ClinVar (database versions not stated): gnomAD exomes below 0.00001; ExAC 0.00001; gnomAD 0.00001; TOPMed 0.00001; ESP Exome Variant Server 0.00008.

Submission:

Labcorp Genetics (formerly Invitae), Labcorp
Classification: Uncertain significance. Last evaluated: 2022-08-09. Review status: criteria provided, single submitter. Criteria: Invitae Variant Classification Sherloc (09022015). Collection method: clinical testing. Allele origin: germline.
Comment: In summary, the available evidence is currently insufficient to determine the role of this variant in disease. Therefore, it has been classified as a Variant of Uncertain Significance. Algorithms developed to predict the effect of missense changes on protein structure and function are either unavailable or do not agree on the potential impact of this missense change (SIFT: "Tolerated"; PolyPhen-2: "Possibly Damaging"; Align-GVGD: "Class C0"). ClinVar contains an entry for this variant (Variation ID: 1401559). This variant has not been reported in the literature in individuals affected with C5-related conditions. This variant is present in population databases (rs148342393, gnomAD 0.003%). This sequence change replaces aspartic acid, which is acidic and polar, with alanine, which is neutral and non-polar, at codon 1236 of the C5 protein (p.Asp1236Ala).